The following is an entry in ClinVar:

NM_133433.4(NIPBL):c.4497G>T (p.Gln1499His)

Gene: NIPBL (NIPBL cohesin loading factor; plus strand). Cytogenetic location: 5p13.2.
Variant type: single nucleotide variant.
Coding change: c.4497G>T on transcript NM_133433.4 (MANE Select); coding-DNA position 4497, G replaced by T.
Protein change: p.Gln1499His; replaces glutamine 1499 with histidine.
Molecular consequence: missense variant.
Genome position (GRCh38, 1-based): chr5:37,010,162, G>T. VCF-style: chr5-37010162-G-T. GRCh37 (hg19) VCF-style: chr5-37010264-G-T.
Other names: c.4497G>T, p.Gln1499His (NM_001438586.1, NM_015384.5); short protein forms Q1499H.
Identifiers: ClinVar variation 5006893 (VCV005006893.2).

ClinVar aggregate classification (germline): Uncertain significance (1 of 4 stars; one submission).

Conditions:
Cornelia de Lange syndrome 1 (CDLS1). Also called: TYPUS DEGENERATIVUS AMSTELODAMENSIS; Brachmann de Lange syndrome; NIPBL-Related Cornelia de Lange Syndrome. Identifiers: Orphanet 199, MedGen C4551851, MONDO:0007387, OMIM 122470.

Submission:

Juno Genomics, Hangzhou Juno Genomics, Inc
Classification: Uncertain significance for Cornelia de Lange syndrome 1. Review status: criteria provided, single submitter. Criteria: ACMG Guidelines, 2015. Collection method: clinical testing. Allele origin: germline.
Comment: Absent from controls (or at extremely low frequency if recessive) in Genome Aggregation Database.;Missense variant in a gene that has a low rate of benign missense variation.;Multiple lines of computational evidence support a deleterious effect on the gene or gene product.